The following is an entry in ClinVar:

ClinVar aggregate classification (germline): Pathogenic (1 of 4 stars; one submission).

Conditions:
Schimke immuno-osseous dysplasia (SIOD). Also called: Schimke Immunoosseous Dysplasia. Identifiers: Orphanet 1830, MedGen C0877024, MONDO:0009458, OMIM 242900.

Submission:

Labcorp Genetics (formerly Invitae), Labcorp
Classification: Pathogenic for Schimke immuno-osseous dysplasia. Last evaluated: 2025-04-09. Review status: criteria provided, single submitter. Criteria: Invitae Variant Classification Sherloc (09022015). Collection method: clinical testing. Allele origin: germline.
Comment: This sequence change creates a premature translational stop signal (p.Lys835Glnfs*9) in the SMARCAL1 gene. It is expected to result in an absent or disrupted protein product. Loss-of-function variants in SMARCAL1 are known to be pathogenic (PMID: 11799392, 20301550). This variant is not present in population databases (gnomAD no frequency). This variant has not been reported in the literature in individuals affected with SMARCAL1-related conditions. For these reasons, this variant has been classified as Pathogenic.

Literature cited by the submitters: PubMed 11799392; PubMed 20301550.

NM_014140.4(SMARCAL1):c.2503_2509del (p.Lys835fs)

Gene: SMARCAL1 (SNF2 related chromatin remodeling annealing helicase 1; plus strand). Cytogenetic location: 2q35.
Variant type: Deletion.
Coding change: c.2503_2509del on transcript NM_014140.4 (MANE Select); coding-DNA positions 2503 to 2509, 7 bases deleted (AAGGGCA; older notation c.2503_2509delAAGGGCA).
Protein change: p.Lys835fs; shifts the reading frame from lysine 835.
Molecular consequence: frameshift variant.
Genome position (GRCh38, 1-based): chr2:216,477,184-216,477,190, AAGGGCA deleted; deleting any 7 consecutive bases within chr2:216,477,180-216,477,190 gives the same sequence; the c. name uses the placement nearest the transcript's 3' end. VCF-style (leftmost placement, unchanged base first): chr2-216477179-TGGCAAAG-T. GRCh37 (hg19) VCF-style: chr2-217341902-TGGCAAAG-T.
Other names: c.2503_2509del, p.Lys835fs (NM_001127207.2); c.2503_2509delAAGGGCA, p.Lys835Glnfs (NM_014140.3); short protein forms K835fs.
Identifiers: ClinVar variation 4772778 (VCV004772778.2).
Genomic context (GRCh38, chr2:216,477,179, plus strand): 5'-AGGCTGAGGACCGCGTGCACCGCATTGGACAGACCAGCTCCGTGGGCATTCACTACCTCG[TGGCAAAG>T]GGCACAGCTGATGACTACCTTTGGTATGGCTTGGTTGGGTGGCCTGGCAGTTGGAGTCGA-3'